The following is an entry in ClinVar:

ClinVar aggregate classification (germline): Uncertain significance (1 of 4 stars; one submission).

Conditions:
Neuropathy, hereditary sensory and autonomic, type 2A (HSAN2A). Also called: ACROOSTEOLYSIS, GIACCAI TYPE; ACROOSTEOLYSIS, NEUROGENIC; MORVAN DISEASE; NEUROPATHY, CONGENITAL SENSORY; NEUROPATHY, HEREDITARY SENSORY RADICULAR, AUTOSOMAL RECESSIVE; NEUROPATHY, HEREDITARY SENSORY, TYPE IIA. Identifiers: Orphanet 970, MedGen C2752089, MONDO:0024309, OMIM 201300.
Pseudohypoaldosteronism type 2C (PHA2C). Also called: Pseudohypoaldosteronism Type IIC. Identifiers: Orphanet 757, Orphanet 88940, MedGen C1840391, MONDO:0013778, OMIM 614492.

Allele frequency attached by ClinVar (database versions not stated): gnomAD exomes below 0.00001; ExAC 0.00001.
gnomAD v4.1: 5 of 1,613,976 alleles (0.00031%); highest among the groups gnomAD compares: Middle Eastern, 0.016%; no homozygotes.

Submission:

Labcorp Genetics (formerly Invitae), Labcorp
Classification: Uncertain significance for Neuropathy, hereditary sensory and autonomic, type 2A; Pseudohypoaldosteronism type 2C. Last evaluated: 2023-05-24. Review status: criteria provided, single submitter. Criteria: Invitae Variant Classification Sherloc (09022015). Collection method: clinical testing. Allele origin: germline.
Comment: This sequence change replaces serine, which is neutral and polar, with leucine, which is neutral and non-polar, at codon 830 of the WNK1 protein (p.Ser830Leu). This variant is present in population databases (rs778247864, gnomAD 0.01%). This variant has not been reported in the literature in individuals affected with WNK1-related conditions. Advanced modeling of protein sequence and biophysical properties (such as structural, functional, and spatial information, amino acid conservation, physicochemical variation, residue mobility, and thermodynamic stability) performed at Invitae indicates that this missense variant is not expected to disrupt WNK1 protein function. In summary, the available evidence is currently insufficient to determine the role of this variant in disease. Therefore, it has been classified as a Variant of Uncertain Significance.

NM_213655.5(WNK1):c.2489C>T (p.Ser830Leu)

Gene: WNK1 (WNK lysine deficient protein kinase 1; plus strand). Cytogenetic location: 12p13.33.
Variant type: single nucleotide variant.
Coding change: c.2489C>T on transcript NM_213655.5 (MANE Plus Clinical); coding-DNA position 2489, C replaced by T.
Protein change: p.Ser830Leu; replaces serine 830 with leucine.
Molecular consequence: missense variant. On other transcripts: intron variant (2).
Genome position (GRCh38, 1-based): chr12:867,960, C>T. VCF-style: chr12-867960-C-T. GRCh37 (hg19) VCF-style: chr12-977126-C-T.
Other names: c.2234C>T, p.Ser745Leu (NM_001184985.2); c.2140-3305C>T (NM_018979.4, NM_014823.3); short protein forms S830L, S745L.
Identifiers: ClinVar variation 2933267 (VCV002933267.3), dbSNP rs778247864, ClinGen allele CA6382184.
Genomic context (GRCh38, chr12:867,960, plus strand): 5'-CAACATACCCAGAATCACAGATATTTTTCCCAACTATTCATGAACGTCCAGTTTCTTTTT[C>T]ACCACCTCCCACCTGCCCACCGAAAGTAGCCATTTCCCAGCGGCGTAAGAGCACCTCCTT-3'
Protein context (NP_998820.3, residues 820-840): PTIHERPVSF[Ser830Leu]PPPTCPPKVA